The following is an entry in ClinVar:

NM_006514.4(SCN10A):c.5308_5313del (p.Thr1770_Leu1771del)

Gene: SCN10A (sodium voltage-gated channel alpha subunit 10; minus strand). Cytogenetic location: 3p22.2.
Variant type: Deletion.
Coding change: c.5308_5313del on transcript NM_006514.4 (MANE Select); coding-DNA positions 5308 to 5313, 6 bases deleted (ACTCTC; older notation c.5308_5313delACTCTC).
Protein change: p.Thr1770_Leu1771del.
Molecular consequence: inframe deletion.
Genome position (GRCh38, 1-based): chr3:38,697,907-38,697,912, GAGAGT deleted on the plus strand (ACTCTC on the coding strand, the reverse complement: SCN10A is on the minus strand); deleting any 6 consecutive bases within chr3:38,697,907-38,697,913 gives the same sequence; the c. name uses the placement nearest the transcript's 3' end. VCF-style (leftmost placement, unchanged base first): chr3-38697906-AGAGAGT-A. GRCh37 (hg19) VCF-style: chr3-38739397-AGAGAGT-A.
Other names: c.5305_5310del, p.Thr1769_Leu1770del (NM_001293306.2); c.5014_5019del, p.Thr1672_Leu1673del (NM_001293307.2); c.5308_5313delACTCTC (NM_006514.2).
Identifiers: ClinVar variation 1034433 (VCV001034433.5), dbSNP rs769329264, ClinGen allele CA2319698.
Genomic context (GRCh38, chr3:38,697,906, plus strand): 5'-AAGGCAGGTCCATCTGGATCAGTATATTTCGATTGGGTTTTGGGATTCTCAGGGGACCAG[AGAGAGT>A]GTCTGCAAAGTCCGAGAGAGCAGAAAAGGTAATAAACTGAGTGGCCTCTGGGTCAAACTT-3'

ClinVar aggregate classification (germline): Uncertain significance. Review status: criteria provided, multiple submitters, no conflicts (2 of 4 stars). 2 submissions from 2 submitters: Uncertain significance (2). Last evaluated 2025-06-19.

Conditions:
Cardiovascular phenotype. Identifiers: MedGen CN230736.
Brugada syndrome. Also called: Sudden Unexplained Death Syndrome; Sudden Unexplained Nocturnal Death Syndrome (SUNDS); Sudden unexplained nocturnal death syndrome; Sudden unexpected nocturnal death syndrome. Identifiers: Orphanet 130, MedGen C1142166, MONDO:0015263.

Submissions (2):

Labcorp Genetics (formerly Invitae), Labcorp
Classification: Uncertain significance for Brugada syndrome. Last evaluated: 2025-06-19. Review status: criteria provided, single submitter. Criteria: Invitae Variant Classification Sherloc (09022015). Collection method: clinical testing. Allele origin: germline.
Comment: This variant, c.5308_5313del, results in the deletion of 2 amino acid(s) of the SCN10A protein (p.Thr1770_Leu1771del), but otherwise preserves the integrity of the reading frame. This variant is present in population databases (rs769329264, gnomAD 0.003%). This variant has been observed in individual(s) with sudden unexplained death (PMID: 29247119). ClinVar contains an entry for this variant (Variation ID: 1034433). Experimental studies and prediction algorithms are not available or were not evaluated, and the functional significance of this variant is currently unknown. In summary, the available evidence is currently insufficient to determine the role of this variant in disease. Therefore, it has been classified as a Variant of Uncertain Significance.

Ambry Genetics
Classification: Uncertain significance for Cardiovascular phenotype. Last evaluated: 2024-02-26. Review status: criteria provided, single submitter. Criteria: Ambry Variant Classification Scheme 2023. Collection method: clinical testing. Allele origin: germline.
Comment: The c.5308_5313delACTCTC variant (also known as p.T1770_L1771del) is located in coding exon 27 of the SCN10A gene. This variant results from an in-frame ACTCTC deletion at nucleotide positions 5308 to 5313. This results in the in-frame deletion of the amino acids at codons 1770 to 1771. This amino acid positions are not well conserved in available vertebrate species. In addition, this alteration is predicted to be deleterious by in silico analysis (Choi Y et al. PLoS ONE. 2012; 7(10):e46688). The evidence for this gene-disease relationship is limited; therefore, the clinical significance of this alteration is unclear.

Literature cited by the submitters: PubMed 29247119 (cited by Labcorp Genetics (formerly Invitae), Labcorp).